The following is an entry in ClinVar:

NM_001378120.1(MBD5):c.2218A>G (p.Thr740Ala)

Gene: MBD5 (methyl-CpG binding domain protein 5; plus strand). Cytogenetic location: 2q23.1.
Variant type: single nucleotide variant.
Coding change: c.2218A>G on transcript NM_001378120.1 (MANE Select); coding-DNA position 2218, A replaced by G.
Protein change: p.Thr740Ala; replaces threonine 740 with alanine.
Molecular consequence: missense variant.
Genome position (GRCh38, 1-based): chr2:148,470,161, A>G. VCF-style: chr2-148470161-A-G. GRCh37 (hg19) VCF-style: chr2-149227730-A-G.
Other names: c.2218A>G, p.Thr740Ala (NM_001438861.1, NM_001438862.1, NM_018328.5 and 7 more transcripts); short protein forms T740A.
Identifiers: ClinVar variation 4812058 (VCV004812058.1).
Genomic context (GRCh38, chr2:148,470,161, plus strand): 5'-ACCCCGGGTTGTGGGGCCTCAAATACTGCTTTGCCTTGCTCTGCTAACCAGCTGCATTTT[A>G]CAGATCCCAGTATGAACTCTAGTGTTCTTCAGAACATACCTTTAAGAGGGGAAGCCGTGC-3'
Protein context (NP_001365049.1, residues 730-750): LPCSANQLHF[Thr740Ala]DPSMNSSVLQ

ClinVar aggregate classification (germline): Uncertain significance (1 of 4 stars; one submission).

Conditions:
Intellectual developmental disorder, autosomal dominant 1. Also called: MBD5 Haploinsufficiency; Intellectual disability, autosomal dominant 1. Identifiers: Orphanet 228402, MedGen C1969562, MONDO:0007974, OMIM 156200.

gnomAD v4.1: 4 of 1,613,958 alleles (0.00025%); highest among the groups gnomAD compares: South Asian, 0.0033%; no homozygotes.

Submission:

Labcorp Genetics (formerly Invitae), Labcorp
Classification: Uncertain significance for Intellectual developmental disorder, autosomal dominant 1. Last evaluated: 2025-10-29. Review status: criteria provided, single submitter. Criteria: Invitae Variant Classification Sherloc (09022015). Collection method: clinical testing. Allele origin: germline.
Comment: This sequence change replaces threonine, which is neutral and polar, with alanine, which is neutral and non-polar, at codon 740 of the MBD5 protein (p.Thr740Ala). This variant is present in population databases (rs772184413, gnomAD 0.006%). This variant has not been reported in the literature in individuals affected with MBD5-related conditions. Invitae Evidence Modeling of protein sequence and biophysical properties (such as structural, functional, and spatial information, amino acid conservation, physicochemical variation, residue mobility, and thermodynamic stability) indicates that this missense variant is not expected to disrupt MBD5 protein function with a negative predictive value of 80%. In summary, the available evidence is currently insufficient to determine the role of this variant in disease. Therefore, it has been classified as a Variant of Uncertain Significance.